The following is an entry in ClinVar:

NM_000307.5(POU3F4):c.1000A>G (p.Lys334Glu)

Gene: POU3F4 (POU class 3 homeobox 4; plus strand). Cytogenetic location: Xq21.1.
Variant type: single nucleotide variant.
Coding change: c.1000A>G on transcript NM_000307.5 (MANE Select); coding-DNA position 1000, A replaced by G.
Protein change: p.Lys334Glu; replaces lysine 334 with glutamic acid.
Molecular consequence: missense variant.
Genome position (GRCh38, 1-based): chrX:83,509,324, A>G. VCF-style: chrX-83509324-A-G. GRCh37 (hg19) VCF-style: chrX-82764332-A-G.
Other names: short protein forms K334E.
Identifiers: ClinVar variation 11680 (VCV000011680.3), dbSNP rs104894922, ClinGen allele CA255977.

ClinVar aggregate classification (germline): Likely pathogenic. Review status: criteria provided, single submitter (1 of 4 stars). 2 submissions from 2 submitters: Likely pathogenic (1). 1 of the submissions does not count toward it. Last evaluated 2022-05-13.

Conditions:
X-linked mixed hearing loss with perilymphatic gusher. Also called: NANCE DEAFNESS; PERILYMPHATIC GUSHER-DEAFNESS SYNDROME; SENSORINEURAL DEAFNESS, PROFOUND, WITH OR WITHOUT A CONDUCTIVE COMPONENT, ASSOCIATED WITH A UNIQUE DEVELOPMENTAL ABNORMALITY OF THE EAR; Deafness, X-linked 2; Gusher syndrome. Identifiers: Orphanet 383, MedGen C1844678, MONDO:0010576, OMIM 304400.

Submissions (2):

Institute of Human Genetics, University of Leipzig Medical Center
Classification: Likely pathogenic for X-linked mixed hearing loss with perilymphatic gusher. Last evaluated: 2022-05-13. Review status: criteria provided, single submitter. Criteria: ACMG Guidelines, 2015. Collection method: clinical testing. Allele origin: maternal. Affected: yes.
Comment: This variant was identified as hemizygous. Criteria applied: PM1, PS4_SUP, PM2_SUP, PP1, PP3

OMIM
Classification: Pathogenic for DEAFNESS, X-LINKED 2. Last evaluated: 1995-02-03. Review status: no assertion criteria provided. Collection method: literature only. Allele origin: germline. Not counted in ClinVar's aggregate classification.

Literature cited by the submitters: PubMed 7839145 (cited by OMIM).